The following is an entry in ClinVar:

ClinVar aggregate classification (germline): Uncertain significance (1 of 4 stars; one submission).

Conditions:
Cardiovascular phenotype. Identifiers: MedGen CN230736.
Hereditary cancer-predisposing syndrome. Also called: Tumor predisposition; Hereditary neoplastic syndrome; Neoplastic Syndromes, Hereditary; Hereditary Cancer Syndrome. Identifiers: Orphanet 140162, MedGen C0027672, MeSH D009386, MONDO:0015356.

gnomAD v4.1: 1 of 1,613,818 alleles (0.000062%); highest among the groups gnomAD compares: Non-Finnish European, 0.000085%; no homozygotes.

Submission:

Ambry Genetics
Classification: Uncertain significance for Cardiovascular phenotype; Hereditary cancer-predisposing syndrome. Last evaluated: 2025-04-24. Review status: criteria provided, single submitter. Criteria: Ambry Variant Classification Scheme 2023. Collection method: clinical testing. Allele origin: germline.
Comment: The p.A825D variant (also known as c.2474C>A), located in coding exon 21 of the LZTR1 gene, results from a C to A substitution at nucleotide position 2474. The alanine at codon 825 is replaced by aspartic acid, an amino acid with dissimilar properties. This amino acid position is conserved. In addition, this alteration is predicted to be deleterious by in silico analysis. Based on the available evidence, the clinical significance of this variant remains unclear.

NM_006767.4(LZTR1):c.2474C>A (p.Ala825Asp)

Gene: LZTR1 (leucine zipper like post translational regulator 1; plus strand). Cytogenetic location: 22q11.21.
Variant type: single nucleotide variant.
Coding change: c.2474C>A on transcript NM_006767.4 (MANE Select); coding-DNA position 2474, C replaced by A.
Protein change: p.Ala825Asp; replaces alanine 825 with aspartic acid.
Molecular consequence: missense variant.
Genome position (GRCh38, 1-based): chr22:20,997,299, C>A. VCF-style: chr22-20997299-C-A. GRCh37 (hg19) VCF-style: chr22-21351588-C-A.
Other names: short protein forms A825D.
Identifiers: ClinVar variation 3992572 (VCV003992572.1).
Genomic context (GRCh38, chr22:20,997,299, plus strand): 5'-AGTTGCCCACCCTGCGGTCGCTGAGCCAGCAGCTGCTGCTGGACATCATAGACTCCCTGG[C>A]CTCCCACATCTCAGACAAGCAGTGCGCAGAGCTGGGCGCCGACATCTGAGGCCCTGTGGC-3'
Protein context (NP_006758.2, residues 815-835): QLLLDIIDSL[Ala825Asp]SHISDKQCAE